The following is an entry in ClinVar:

ClinVar aggregate classification (germline): Uncertain significance. Review status: criteria provided, multiple submitters, no conflicts (2 of 4 stars). 2 submissions from 2 submitters: Uncertain significance (2). Last evaluated 2021-11-12.

Allele frequency attached by ClinVar (database versions not stated): gnomAD exomes below 0.00001 and 0.00001; ExAC 0.00001; gnomAD 0.00003; TOPMed 0.00005.
gnomAD v4.1: 7 of 1,208,394 alleles (0.00058%); highest among the groups gnomAD compares: African/African-American, 0.0071%; no homozygotes.

Submissions (2):

Ambry Genetics
Classification: Uncertain significance. Last evaluated: 2021-11-12. Review status: criteria provided, single submitter. Criteria: Ambry Variant Classification Scheme 2023. Collection method: clinical testing. Allele origin: germline.

GeneDx
Classification: Uncertain significance. Last evaluated: 2015-09-25. Review status: criteria provided, single submitter. Criteria: GeneDx Variant Classification (06012015). Collection method: clinical testing. Allele origin: germline. Affected: yes.
Comment: The D99E variant in the CCDC22 gene has not been published as a pathogenic variant, nor has it been reported as a benign polymorphism to our knowledge. The D99E variant was not observed in approximately 6500 individuals of European and African American ancestry in the NHLBI Exome Sequencing Project, indicating it is not a common benign variant in these populations. The D99E variant is a conservative amino acid substitution, which is not likely to impact secondary protein structure as these residues share similar properties. This substitution occurs at a position that is not conserved across species. In silico analysis predicts this variant likely does not alter the protein structure/function. We interpret D99E as a variant of uncertain significance.

NM_014008.5(CCDC22):c.297C>G (p.Asp99Glu)

Gene: CCDC22 (CCC complex scaffolding subunit CCDC22; plus strand). Cytogenetic location: Xp11.23.
Variant type: single nucleotide variant.
Coding change: c.297C>G on transcript NM_014008.5 (MANE Select); coding-DNA position 297, C replaced by G.
Protein change: p.Asp99Glu; replaces aspartic acid 99 with glutamic acid.
Molecular consequence: missense variant.
Genome position (GRCh38, 1-based): chrX:49,242,084, C>G. VCF-style: chrX-49242084-C-G. GRCh37 (hg19) VCF-style: chrX-49098550-C-G.
Other names: short protein forms D99E.
Identifiers: ClinVar variation 419864 (VCV000419864.4), dbSNP rs782159081, ClinGen allele CA10411205.